The following is an entry in ClinVar:

NM_022773.4(LMF1):c.265G>A (p.Val89Met)

Gene: LMF1 (lipase maturation factor 1; minus strand). Cytogenetic location: 16p13.3.
Variant type: single nucleotide variant.
Coding change: c.265G>A on transcript NM_022773.4 (MANE Select); coding-DNA position 265, G replaced by A.
Protein change: p.Val89Met; replaces valine 89 with methionine.
Molecular consequence: missense variant. On other transcripts: 5 prime UTR variant (4), non-coding transcript variant (1).
Genome position (GRCh38, 1-based): chr16:954,595, C>T on the plus strand (G>A on the coding strand, the complement: LMF1 is on the minus strand). VCF-style: chr16-954595-C-T. GRCh37 (hg19) VCF-style: chr16-1004595-C-T.
Other names: c.-539G>A (NM_001352017.2); c.-290G>A (NM_001352018.2); c.-63G>A (NM_001352019.2); c.265G>A, p.Val89Met (NM_001352020.1); c.-441G>A (NM_001352021.2); short protein forms V89M.
Identifiers: ClinVar variation 2282126 (VCV002282126.3), dbSNP rs1264648832, ClinGen allele CA394105571.

ClinVar aggregate classification (germline): Uncertain significance (1 of 4 stars; one submission).

Conditions:
Cardiovascular phenotype. Identifiers: MedGen CN230736.

Allele frequency attached by ClinVar (database versions not stated): gnomAD 0.00001; gnomAD exomes 0.00001; TOPMed 0.00002.
gnomAD v4.1: 10 of 1,612,428 alleles (0.00062%); highest among the groups gnomAD compares: Non-Finnish European, 0.00085%; no homozygotes.

Submission:

Ambry Genetics
Classification: Uncertain significance for Cardiovascular phenotype. Last evaluated: 2025-01-19. Review status: criteria provided, single submitter. Criteria: Ambry Variant Classification Scheme 2023. Collection method: clinical testing. Allele origin: germline.
Comment: The p.V89M variant (also known as c.265G>A), located in coding exon 2 of the LMF1 gene, results from a G to A substitution at nucleotide position 265. The valine at codon 89 is replaced by methionine, an amino acid with highly similar properties. This amino acid position is conserved. In addition, this alteration is predicted to be tolerated by in silico analysis. Based on the available evidence, the clinical significance of this variant remains unclear.